The following is an entry in ClinVar:

ClinVar aggregate classification (germline): Likely benign. Review status: criteria provided, multiple submitters, no conflicts (2 of 4 stars). 7 submissions from 7 submitters: Likely benign (7). Last evaluated 2026-02-01.

Conditions:
Cardiomyopathy (CMYO). Also called: Cardiomyopathies. Identifiers: Orphanet 167848, MedGen C0878544, MONDO:0004994, HP:0001638. Inheritance: Various modes of inheritance.
Cardiovascular phenotype. Identifiers: MedGen CN230736.
Hypertrophic cardiomyopathy 26. Also called: Cardiomyopathy, familial hypertrophic, 26. Identifiers: Orphanet 75249, MedGen C4310749, MONDO:0014883, OMIM 617047.
Myofibrillar myopathy 5. Also called: Filaminopathy (type); FILAMINOPATHY, AUTOSOMAL DOMINANT. Identifiers: Orphanet 171445, MedGen C1836050, MONDO:0012289, OMIM 609524.
Distal myopathy with posterior leg and anterior hand involvement. Also called: WILLIAMS DISTAL MYOPATHY. Identifiers: Orphanet 63273, MedGen C3279722, MONDO:0013550, OMIM 614065.

Allele frequency attached by ClinVar (database versions not stated): ExAC 0.00001; gnomAD exomes 0.00003 and 0.00007; gnomAD 0.00004; TOPMed 0.00004.
gnomAD v4.1: 113 of 1,613,576 alleles (0.007%); highest among the groups gnomAD compares: Non-Finnish European, 0.0087%; no homozygotes.

Submissions (7):

Labcorp Genetics (formerly Invitae), Labcorp
Classification: Likely benign for Distal myopathy with posterior leg and anterior hand involvement; Myofibrillar myopathy 5; Hypertrophic cardiomyopathy 26. Last evaluated: 2026-02-01. Review status: criteria provided, single submitter. Criteria: Invitae Variant Classification Sherloc (09022015). Collection method: clinical testing. Allele origin: germline.

Blueprint Genetics
Classification: Likely benign. Last evaluated: 2024-06-06. Review status: criteria provided, single submitter. Criteria: ACMG Guidelines, 2015. Collection method: clinical testing. Allele origin: germline.

Women's Health and Genetics/Laboratory Corporation of America, LabCorp
Classification: Likely benign. Last evaluated: 2024-05-06. Review status: criteria provided, single submitter. Criteria: LabCorp Variant Classification Summary - May 2015. Collection method: clinical testing. Allele origin: germline.

CeGaT Center for Human Genetics Tuebingen
Classification: Likely benign. Last evaluated: 2024-02-01. Review status: criteria provided, single submitter. Criteria: CeGaT Center For Human Genetics Tuebingen Variant Classification Criteria Version 2. Collection method: clinical testing. Allele origin: germline. Affected: yes. Observed: 1 variant allele.
Comment: FLNC: BP4, BP7

CHEO Genetics Diagnostic Laboratory, Children's Hospital of Eastern Ontario
Classification: Likely benign for Cardiomyopathy. Last evaluated: 2022-02-25. Review status: criteria provided, single submitter. Criteria: ACMG Guidelines, 2015. Collection method: clinical testing. Allele origin: germline.

GeneDx
Classification: Likely benign. Last evaluated: 2021-05-21. Review status: criteria provided, single submitter. Criteria: GeneDx Variant Classification Process June 2021. Collection method: clinical testing. Allele origin: germline. Affected: yes.

Ambry Genetics
Classification: Likely benign for Cardiovascular phenotype. Last evaluated: 2019-08-29. Review status: criteria provided, single submitter. Criteria: Ambry Variant Classification Scheme 2023. Collection method: clinical testing. Allele origin: germline.

NM_001458.5(FLNC):c.8145C>T (p.Val2715=)

Genes: FLNC (filamin C; plus strand), FLNC-AS1 (FLNC antisense RNA 1; minus strand). Cytogenetic location: 7q32.1.
Variant type: single nucleotide variant.
Coding change: c.8145C>T on transcript NM_001458.5 (MANE Select); coding-DNA position 8145, C replaced by T.
Protein change: p.Val2715=; no amino-acid change (valine 2715 retained).
Molecular consequence: synonymous variant.
Genome position (GRCh38, 1-based): chr7:128,858,490, C>T. VCF-style: chr7-128858490-C-T. GRCh37 (hg19) VCF-style: chr7-128498544-C-T.
Other names: c.8046C>T, p.Val2682= (NM_001127487.2).
Identifiers: ClinVar variation 707074 (VCV000707074.40), dbSNP rs746842532, ClinGen allele CA4476435.